The following is an entry in ClinVar:

ClinVar aggregate classification (germline): Uncertain significance (1 of 4 stars; one submission).

Conditions:
PTPRQ-related disorder. Also called: PTPRQ-related condition.

Allele frequency attached by ClinVar (database versions not stated): gnomAD exomes below 0.00001; TOPMed below 0.00001.
gnomAD v4.1: 1 of 1,550,052 alleles (0.000065%); highest among the groups gnomAD compares: Non-Finnish European, 0.000087%; no homozygotes.

Submission:

PreventionGenetics, part of Exact Sciences
Classification: Uncertain significance for PTPRQ-related condition. Last evaluated: 2023-05-16. Review status: criteria provided, single submitter. Criteria: ACMG Guidelines, 2015. Collection method: clinical testing. Allele origin: germline.
Comment: The PTPRQ c.2912C>T variant is predicted to result in the amino acid substitution p.Pro971Leu. To our knowledge, this variant has not been reported in the literature or in a large population database, indicating this variant is rare. At this time, the clinical significance of this variant is uncertain due to the absence of conclusive functional and genetic evidence.

NM_001145026.2(PTPRQ):c.2912C>T (p.Pro971Leu)

Gene: PTPRQ (protein tyrosine phosphatase receptor type Q; plus strand). Cytogenetic location: 12q21.31.
Variant type: single nucleotide variant.
Coding change: c.2912C>T on transcript NM_001145026.2 (MANE Select); coding-DNA position 2912, C replaced by T.
Protein change: p.Pro971Leu; replaces proline 971 with leucine.
Molecular consequence: missense variant.
Genome position (GRCh38, 1-based): chr12:80,534,964, C>T. VCF-style: chr12-80534964-C-T. GRCh37 (hg19) VCF-style: chr12-80928743-C-T.
Other names: short protein forms P971L.
Identifiers: ClinVar variation 2632896 (VCV002632896.1), dbSNP rs1895944240, ClinGen allele CA385869338.